The following is an entry in ClinVar:

NM_021930.6(RINT1):c.1054G>A (p.Asp352Asn)

Gene: RINT1 (RAD50 interactor 1; plus strand). Cytogenetic location: 7q22.3.
Variant type: single nucleotide variant.
Coding change: c.1054G>A on transcript NM_021930.6 (MANE Select); coding-DNA position 1054, G replaced by A.
Protein change: p.Asp352Asn; replaces aspartic acid 352 with asparagine.
Molecular consequence: missense variant. On other transcripts: non-coding transcript variant (1).
Genome position (GRCh38, 1-based): chr7:105,550,112, G>A. VCF-style: chr7-105550112-G-A. GRCh37 (hg19) VCF-style: chr7-105190559-G-A.
Other names: c.820G>A, p.Asp274Asn (NM_001346599.2); c.31G>A, p.Asp11Asn (NM_001346600.2, NM_001346603.2); c.130G>A, p.Asp44Asn (NM_001346601.2); short protein forms D274N, D44N, D11N, D352N.
Identifiers: ClinVar variation 1778148 (VCV001778148.3), dbSNP rs757874364, ClinGen allele CA4426591.

ClinVar aggregate classification (germline): Uncertain significance (1 of 4 stars; one submission).

Allele frequency attached by ClinVar (database versions not stated): gnomAD exomes 0.00001; ExAC 0.00002.
gnomAD v4.1: 5 of 1,613,950 alleles (0.00031%); highest among the groups gnomAD compares: Admixed American, 0.0067%; no homozygotes.

Submission:

Ambry Genetics
Classification: Uncertain significance. Last evaluated: 2024-06-06. Review status: criteria provided, single submitter. Criteria: Ambry Variant Classification Scheme 2023. Collection method: clinical testing. Allele origin: germline.
Comment: The p.D352N variant (also known as c.1054G>A), located in coding exon 8 of the RINT1 gene, results from a G to A substitution at nucleotide position 1054. The aspartic acid at codon 352 is replaced by asparagine, an amino acid with highly similar properties. This amino acid position is conserved. In addition, this alteration is predicted to be tolerated by in silico analysis. Since supporting evidence is limited at this time, the clinical significance of this alteration remains unclear.